The following is an entry in ClinVar:

NM_005909.5(MAP1B):c.5903A>C (p.Glu1968Ala)

Gene: MAP1B (microtubule associated protein 1B; plus strand). Cytogenetic location: 5q13.2.
Variant type: single nucleotide variant.
Coding change: c.5903A>C on transcript NM_005909.5 (MANE Select); coding-DNA position 5903, A replaced by C.
Protein change: p.Glu1968Ala; replaces glutamic acid 1968 with alanine.
Molecular consequence: missense variant.
Genome position (GRCh38, 1-based): chr5:72,199,258, A>C. VCF-style: chr5-72199258-A-C. GRCh37 (hg19) VCF-style: chr5-71495085-A-C.
Other names: c.5525A>C, p.Glu1842Ala (NM_001324255.2); short protein forms E1842A, E1968A.
Identifiers: ClinVar variation 3774306 (VCV003774306.1).
Genomic context (GRCh38, chr5:72,199,258, plus strand): 5'-GGACCCCTGAAGAGGGTGGGTACTCATATGACATAAGTGAAAAGACCACCAGCCCCCCCG[A>C]AGTGAGTGGTTACAGCTATGAAAAGACTGAGAGGTCTAGAAGGCTTCTGGATGACATCAG-3'
Protein context (NP_005900.2, residues 1958-1978): DISEKTTSPP[Glu1968Ala]VSGYSYEKTE

ClinVar aggregate classification (germline): Uncertain significance (1 of 4 stars; one submission).

gnomAD v4.1: 1 of 1,614,110 alleles (0.000062%); no homozygotes.

Submission:

GeneDx
Classification: Uncertain significance. Last evaluated: 2024-09-23. Review status: criteria provided, single submitter. Criteria: GeneDx Variant Classification Process June 2021. Collection method: clinical testing. Allele origin: germline. Affected: yes.
Comment: Not observed at significant frequency in large population cohorts (gnomAD); In silico analysis indicates that this missense variant does not alter protein structure/function; Has not been previously published as pathogenic or benign to our knowledge